The following is an entry in ClinVar:

NM_080552.3(SLC32A1):c.1386C>G (p.Ser462Arg)

Gene: SLC32A1 (solute carrier family 32 member 1; plus strand). Cytogenetic location: 20q11.23.
Variant type: single nucleotide variant.
Coding change: c.1386C>G on transcript NM_080552.3 (MANE Select); coding-DNA position 1386, C replaced by G.
Protein change: p.Ser462Arg; replaces serine 462 with arginine.
Molecular consequence: missense variant.
Genome position (GRCh38, 1-based): chr20:38,728,447, C>G. VCF-style: chr20-38728447-C-G. GRCh37 (hg19) VCF-style: chr20-37357090-C-G.
Other names: short protein forms S462R.
Identifiers: ClinVar variation 4883710 (VCV004883710.2).

ClinVar aggregate classification (germline): Uncertain significance (1 of 4 stars; one submission).

Submission:

Dasa
Classification: Uncertain significance. Last evaluated: 2025-11-23. Review status: criteria provided, single submitter. Criteria: DASA Assertion Criteria. Collection method: clinical testing. Allele origin: germline.
Comment: NM_080552.3(SLC32A1):c.1386C>G (p.Ser462Arg) is a missense variant that results in the substitution of serine with arginine. This variant is absent from population databases. The currently available literature and clinical evidence are not sufficient to establish a definitive association between this variant and the reported condition. Therefore, this variant is classified as a variant of uncertain significance.